The following is an entry in ClinVar:

NM_198253.3(TERT):c.1198C>T (p.His400Tyr)

Gene: TERT (telomerase reverse transcriptase; minus strand). Cytogenetic location: 5p15.33.
Variant type: single nucleotide variant.
Coding change: c.1198C>T on transcript NM_198253.3 (MANE Select); coding-DNA position 1198, C replaced by T.
Protein change: p.His400Tyr; replaces histidine 400 with tyrosine.
Molecular consequence: missense variant. On other transcripts: non-coding transcript variant (2).
Genome position (GRCh38, 1-based): chr5:1,293,688, G>A on the plus strand (C>T on the coding strand, the complement: TERT is on the minus strand). VCF-style: chr5-1293688-G-A. GRCh37 (hg19) VCF-style: chr5-1293803-G-A.
Other names: c.1198C>T, p.His400Tyr (NM_001193376.3); short protein forms H400Y.
Identifiers: ClinVar variation 3603183 (VCV003603183.2).

ClinVar aggregate classification (germline): Uncertain significance. Review status: criteria provided, multiple submitters, no conflicts (2 of 4 stars). 2 submissions from 2 submitters: Uncertain significance (2). Last evaluated 2025-09-19.

Conditions:
Dyskeratosis congenita. Identifiers: Orphanet 1775, MedGen C0265965, MONDO:0015780.

Submissions (2):

Ambry Genetics
Classification: Uncertain significance for Dyskeratosis congenita. Last evaluated: 2025-09-19. Review status: criteria provided, single submitter. Criteria: Ambry Variant Classification Scheme 2023. Collection method: clinical testing. Allele origin: germline.
Comment: The p.H400Y variant (also known as c.1198C>T), located in coding exon 2 of the TERT gene, results from a C to T substitution at nucleotide position 1198. The histidine at codon 400 is replaced by tyrosine, an amino acid with similar properties. This amino acid position is conserved. In addition, this alteration is predicted to be deleterious by in silico analysis. Based on the available evidence, the clinical significance of this variant remains unclear.

GeneDx
Classification: Uncertain significance. Last evaluated: 2024-08-04. Review status: criteria provided, single submitter. Criteria: GeneDx Variant Classification Process June 2021. Collection method: clinical testing. Allele origin: germline. Affected: yes.
Comment: Not observed at significant frequency in large population cohorts (gnomAD); In silico analysis supports that this missense variant has a deleterious effect on protein structure/function; Has not been previously published as pathogenic or benign to our knowledge